The following is an entry in ClinVar:

ClinVar aggregate classification (germline): Conflicting classifications of pathogenicity. Review status: criteria provided, conflicting classifications (1 of 4 stars). 4 submissions from 4 submitters: Uncertain significance (2); Likely benign (2). Last evaluated 2024-07-06.

Conditions:
Inborn genetic diseases. Identifiers: MedGen C0950123, MeSH D030342.

Allele frequency attached by ClinVar (database versions not stated): gnomAD 0.00003; TOPMed 0.00003; gnomAD exomes 0.00004; ExAC 0.00005; 1000 Genomes Project 0.00020; 1000 Genomes Project 30x 0.00031.
gnomAD v4.1: 19 of 1,613,544 alleles (0.0012%); highest among the groups gnomAD compares: Admixed American, 0.02%; no homozygotes.

Submissions (4):

Ambry Genetics
Classification: Uncertain significance for Inborn genetic diseases. Last evaluated: 2024-07-06. Review status: criteria provided, single submitter. Criteria: Ambry Variant Classification Scheme 2023. Collection method: clinical testing. Allele origin: germline.

CeGaT Center for Human Genetics Tuebingen
Classification: Uncertain significance. Last evaluated: 2024-06-01. Review status: criteria provided, single submitter. Criteria: CeGaT Center For Human Genetics Tuebingen Variant Classification Criteria Version 2. Collection method: clinical testing. Allele origin: germline. Affected: yes. Observed: 1 variant allele.
Comment: ASPM: PM2, PM3:Supporting, BP4

GeneDx
Classification: Likely benign. Last evaluated: 2017-04-24. Review status: criteria provided, single submitter. Criteria: GeneDx Variant Classification (06012015). Collection method: clinical testing. Allele origin: germline. Affected: yes.
Comment: This variant is considered likely benign or benign based on one or more of the following criteria: it is a conservative change, it occurs at a poorly conserved position in the protein, it is predicted to be benign by multiple in silico algorithms, and/or has population frequency not consistent with disease.

Breakthrough Genomics
Classification: Likely benign. Review status: criteria provided, single submitter. Criteria: ACMG Guidelines, 2015. Collection method: not provided. Allele origin: germline. Inheritance: Autosomal recessive inheritance. Affected: yes.

NM_018136.5(ASPM):c.9763C>T (p.Leu3255Phe)

Gene: ASPM (assembly factor for spindle microtubules; minus strand). Cytogenetic location: 1q31.3.
Variant type: single nucleotide variant.
Coding change: c.9763C>T on transcript NM_018136.5 (MANE Select); coding-DNA position 9763, C replaced by T.
Protein change: p.Leu3255Phe; replaces leucine 3255 with phenylalanine.
Molecular consequence: missense variant.
Genome position (GRCh38, 1-based): chr1:197,090,262, G>A on the plus strand (C>T on the coding strand, the complement: ASPM is on the minus strand). VCF-style: chr1-197090262-G-A. GRCh37 (hg19) VCF-style: chr1-197059392-G-A.
Other names: c.5008C>T, p.Leu1670Phe (NM_001206846.2); short protein forms L3255F, L1670F.
Identifiers: ClinVar variation 509161 (VCV000509161.21), dbSNP rs150809058, ClinGen allele CA1308868.